The following is an entry in ClinVar:

NM_006439.5(MAB21L2):c.927dup (p.Cys310fs)

Genes: LRBA (LPS responsive beige-like anchor protein; minus strand), MAB21L2 (mab-21 like 2; plus strand). Cytogenetic location: 4q31.3.
Variant type: Duplication.
Coding change: c.927dup on transcript NM_006439.5 (MANE Select); coding-DNA position 927, one base duplicated (C; older notation c.927dupC).
Protein change: p.Cys310fs; shifts the reading frame from cysteine 310.
Molecular consequence: frameshift variant. On other transcripts: intron variant (6).
Genome position (GRCh38, 1-based): chr4:150,583,956, C duplicated; the last of 2 consecutive C bases (chr4:150,583,955-150,583,956); duplicating either gives the same sequence. VCF-style (leftmost placement, unchanged base first): chr4-150583954-T-TC. GRCh37 (hg19) VCF-style: chr4-151505106-T-TC.
Other names: c.6330+4093dup (NM_001367550.1, NM_001199282.3, NM_001364905.1 and 1 more transcripts); c.6363+4093dup (NM_006726.5, NM_001440430.1); c.927dupC (NM_006439.4); short protein forms C310fs.
Identifiers: ClinVar variation 504470 (VCV000504470.2), dbSNP rs1554059974, ClinGen allele CA658796472.

ClinVar aggregate classification (germline): Likely pathogenic (1 of 4 stars; one submission).

Submission:

GeneDx
Classification: Likely pathogenic. Last evaluated: 2018-03-07. Review status: criteria provided, single submitter. Criteria: GeneDx Variant Classification (06012015). Collection method: clinical testing. Allele origin: germline. Affected: yes.
Comment: The c.927dupC variant in the MAB21L2 gene has not been reported previously as a pathogenic variant nor as a benign variant, to our knowledge. The c.927dupC variant causes a frameshift starting with codon Cysteine 310, changes this amino acid to a Leucine residue, and creates a premature Stop codon at position 74 of the new reading frame, denoted p.Cys310LeufsX74. This variant is predicted to cause loss of normal protein function as the last 50 amino acids are lost and replaced with 73 incorrect amino acids, although loss-of-function variants have not been reported downstream of this position in the protein. The c.927dupC variant is not observed in large population cohorts (Lek et al., 2016). We interpret c.927dupC as a likely pathogenic variant.